The following is an entry in ClinVar:

NM_004304.5(ALK):c.62C>T (p.Ser21Phe)

Gene: ALK (ALK receptor tyrosine kinase; minus strand). Cytogenetic location: 2p23.1.
Variant type: single nucleotide variant.
Coding change: c.62C>T on transcript NM_004304.5 (MANE Select); coding-DNA position 62, C replaced by T.
Protein change: p.Ser21Phe; replaces serine 21 with phenylalanine.
Molecular consequence: missense variant.
Genome position (GRCh38, 1-based): chr2:29,920,598, G>A on the plus strand (C>T on the coding strand, the complement: ALK is on the minus strand). VCF-style: chr2-29920598-G-A. GRCh37 (hg19) VCF-style: chr2-30143464-G-A.
Other names: c.62C>T (NM_004304.4); short protein forms S21F.
Identifiers: ClinVar variation 2148222 (VCV002148222.8), dbSNP rs1297347468, ClinGen allele CA346590762.

ClinVar aggregate classification (germline): Uncertain significance. Review status: criteria provided, multiple submitters, no conflicts (2 of 4 stars). 3 submissions from 3 submitters: Uncertain significance (3). Last evaluated 2025-05-11.

Conditions:
ALK-related disorder. Also called: ALK-related condition.
Neuroblastoma, susceptibility to, 3. Also called: ALK-Related Neuroblastic Tumor Susceptibility. Identifiers: Orphanet 635, MedGen C2751681, MONDO:0013083, OMIM 613014.
Hereditary cancer-predisposing syndrome. Also called: Neoplastic Syndromes, Hereditary; Hereditary neoplastic syndrome; Hereditary Cancer Syndrome; Tumor predisposition. Identifiers: Orphanet 140162, MedGen C0027672, MeSH D009386, MONDO:0015356.

Allele frequency attached by ClinVar (database versions not stated): gnomAD 0.00001.

Submissions (3):

Labcorp Genetics (formerly Invitae), Labcorp
Classification: Uncertain significance for Neuroblastoma, susceptibility to, 3. Last evaluated: 2025-05-11. Review status: criteria provided, single submitter. Criteria: Invitae Variant Classification Sherloc (09022015). Collection method: clinical testing. Allele origin: germline.
Comment: This sequence change replaces serine, which is neutral and polar, with phenylalanine, which is neutral and non-polar, at codon 21 of the ALK protein (p.Ser21Phe). This variant is present in population databases (no rsID available, gnomAD 0.01%). This variant has not been reported in the literature in individuals affected with ALK-related conditions. ClinVar contains an entry for this variant (Variation ID: 2148222). An algorithm developed to predict the effect of missense changes on protein structure and function outputs the following: PolyPhen-2: "Benign". The phenylalanine amino acid residue is found in multiple mammalian species, which suggests that this missense change does not adversely affect protein function. In summary, the available evidence is currently insufficient to determine the role of this variant in disease. Therefore, it has been classified as a Variant of Uncertain Significance.

Ambry Genetics
Classification: Uncertain significance for Hereditary cancer-predisposing syndrome. Last evaluated: 2025-04-16. Review status: criteria provided, single submitter. Criteria: Ambry Variant Classification Scheme 2023. Collection method: clinical testing. Allele origin: germline.
Comment: The p.S21F variant (also known as c.62C>T), located in coding exon 1 of the ALK gene, results from a C to T substitution at nucleotide position 62. The serine at codon 21 is replaced by phenylalanine, an amino acid with highly dissimilar properties. This amino acid position is conserved. In addition, this alteration is predicted to be tolerated by in silico analysis. Since supporting evidence is limited at this time, the clinical significance of this alteration remains unclear.

PreventionGenetics, part of Exact Sciences
Classification: Uncertain significance for ALK-related condition. Last evaluated: 2022-08-30. Review status: criteria provided, single submitter. Criteria: ACMG Guidelines, 2015. Collection method: clinical testing. Allele origin: germline.
Comment: The ALK c.62C>T variant is predicted to result in the amino acid substitution p.Ser21Phe. To our knowledge, this variant has not been reported in the literature. This variant is reported in 0.012% of alleles in individuals of African descent in gnomAD. At this time, the clinical significance of this variant is uncertain due to the absence of conclusive functional and genetic evidence.